The following is an entry in ClinVar:

NM_006950.3(SYN1):c.1110C>G (p.Cys370Trp)

Gene: SYN1 (synapsin I; minus strand). Cytogenetic location: Xp11.3.
Variant type: single nucleotide variant.
Coding change: c.1110C>G on transcript NM_006950.3 (MANE Select); coding-DNA position 1110, C replaced by G.
Protein change: p.Cys370Trp; replaces cysteine 370 with tryptophan.
Molecular consequence: missense variant.
Genome position (GRCh38, 1-based): chrX:47,576,179, G>C on the plus strand (C>G on the coding strand, the complement: SYN1 is on the minus strand). VCF-style: chrX-47576179-G-C. GRCh37 (hg19) VCF-style: chrX-47435578-G-C.
Other names: c.1110C>G, p.Cys370Trp (NM_133499.2); short protein forms C370W.
Identifiers: ClinVar variation 1484946 (VCV001484946.9), dbSNP rs141925310, ClinGen allele CA412826320.

ClinVar aggregate classification (germline): Uncertain significance. Review status: criteria provided, multiple submitters, no conflicts (2 of 4 stars). 3 submissions from 2 submitters: Uncertain significance (3). Last evaluated 2023-08-31.

Conditions:
Epilepsy, X-linked 1, with variable learning disabilities and behavior disorders. Also called: X-linked epilepsy-learning disabilities-behavior disorders syndrome. Identifiers: Orphanet 85294, MedGen C5774177, MONDO:0010339, OMIM 300491.
Intellectual developmental disorder, X-linked 50. Also called: MRX50; Intellectual disability, X-linked 50. Identifiers: Orphanet 777, MedGen C1848087, MONDO:0010251, OMIM 300115.

Submissions (3):

Labcorp Genetics (formerly Invitae), Labcorp
Classification: Uncertain significance for Epilepsy, X-linked 1, with variable learning disabilities and behavior disorders. Last evaluated: 2023-08-31. Review status: criteria provided, single submitter. Criteria: Invitae Variant Classification Sherloc (09022015). Collection method: clinical testing. Allele origin: germline.
Comment: In summary, the available evidence is currently insufficient to determine the role of this variant in disease. Therefore, it has been classified as a Variant of Uncertain Significance. An algorithm developed to predict the effect of missense changes on protein structure and function (PolyPhen-2) suggests that this variant is likely to be disruptive. ClinVar contains an entry for this variant (Variation ID: 1484946). This variant has not been reported in the literature in individuals affected with SYN1-related conditions. This variant is not present in population databases (gnomAD no frequency). This sequence change replaces cysteine, which is neutral and slightly polar, with tryptophan, which is neutral and slightly polar, at codon 370 of the SYN1 protein (p.Cys370Trp).

Baylor Genetics
Classification: Uncertain significance for Intellectual developmental disorder, X-linked 50. Last evaluated: 2022-06-28. Review status: criteria provided, single submitter. Criteria: ACMG Guidelines, 2015. Collection method: clinical testing. Allele origin: unknown.

Baylor Genetics
Classification: Uncertain significance for Epilepsy, X-linked 1, with variable learning disabilities and behavior disorders. Last evaluated: 2022-06-28. Review status: criteria provided, single submitter. Criteria: ACMG Guidelines, 2015. Collection method: clinical testing. Allele origin: unknown.